The following is an entry in ClinVar:

ClinVar aggregate classification (germline): Uncertain significance (1 of 4 stars; one submission).

Allele frequency attached by ClinVar (database versions not stated): gnomAD exomes below 0.00001; TOPMed below 0.00001.
gnomAD v4.1: 3 of 1,614,050 alleles (0.00019%); highest among the groups gnomAD compares: East Asian, 0.0067%; no homozygotes.

Submission:

Labcorp Genetics (formerly Invitae), Labcorp
Classification: Uncertain significance. Last evaluated: 2022-12-14. Review status: criteria provided, single submitter. Criteria: Invitae Variant Classification Sherloc (09022015). Collection method: clinical testing. Allele origin: germline.
Comment: In summary, the available evidence is currently insufficient to determine the role of this variant in disease. Therefore, it has been classified as a Variant of Uncertain Significance. Algorithms developed to predict the effect of missense changes on protein structure and function are either unavailable or do not agree on the potential impact of this missense change (SIFT: "Not Available"; PolyPhen-2: "Benign"; Align-GVGD: "Not Available"). This variant has not been reported in the literature in individuals affected with RIPK1-related conditions. This variant is present in population databases (no rsID available, gnomAD 0.006%). This sequence change replaces glycine, which is neutral and non-polar, with arginine, which is basic and polar, at codon 485 of the RIPK1 protein (p.Gly485Arg).

NM_001354930.2(RIPK1):c.1453G>C (p.Gly485Arg)

Gene: RIPK1 (receptor interacting serine/threonine kinase 1; plus strand). Cytogenetic location: 6p25.2.
Variant type: single nucleotide variant.
Coding change: c.1453G>C on transcript NM_001354930.2 (MANE Select); coding-DNA position 1453, G replaced by C.
Protein change: p.Gly485Arg; replaces glycine 485 with arginine.
Molecular consequence: missense variant.
Genome position (GRCh38, 1-based): chr6:3,105,928, G>C. VCF-style: chr6-3105928-G-C. GRCh37 (hg19) VCF-style: chr6-3106162-G-C.
Other names: c.964G>C, p.Gly322Arg (NM_001317061.3, NM_001354932.2, NM_001354933.2 and 1 more transcripts); c.1315G>C, p.Gly439Arg (NM_001354931.2); c.1453G>C, p.Gly485Arg (NM_003804.6); short protein forms G439R, G322R, G485R.
Identifiers: ClinVar variation 3010383 (VCV003010383.3), dbSNP rs901347387, ClinGen allele CA133455474.